The following is an entry in ClinVar:

ClinVar aggregate classification (germline): Uncertain significance (1 of 4 stars; one submission).

Conditions:
Neuronal ceroid lipofuscinosis. Also called: Neuronal Ceroid Lipofuscinoses. Identifiers: Orphanet 216, Orphanet 79263, MedGen C0027877, MONDO:0016295. Disease mechanism: loss of function.

gnomAD v4.1: 2 of 1,614,078 alleles (0.00012%); highest among the groups gnomAD compares: Non-Finnish European, 0.00017%; no homozygotes.

Submission:

Labcorp Genetics (formerly Invitae), Labcorp
Classification: Uncertain significance for Neuronal ceroid lipofuscinosis. Last evaluated: 2020-02-06. Review status: criteria provided, single submitter. Criteria: Invitae Variant Classification Sherloc (09022015). Collection method: clinical testing. Allele origin: germline.
Comment: This variant has not been reported in the literature in individuals with CLN8-related conditions. In summary, the available evidence is currently insufficient to determine the role of this variant in disease. Therefore, it has been classified as a Variant of Uncertain Significance. Algorithms developed to predict the effect of missense changes on protein structure and function output the following: SIFT: "Deleterious"; PolyPhen-2: "Benign"; Align-GVGD: "Class C15". The proline amino acid residue is found in multiple mammalian species, suggesting that this missense change does not adversely affect protein function. These predictions have not been confirmed by published functional studies and their clinical significance is uncertain. This variant is not present in population databases (ExAC no frequency). This sequence change replaces arginine with proline at codon 282 of the CLN8 protein (p.Arg282Pro). The arginine residue is weakly conserved and there is a moderate physicochemical difference between arginine and proline.

NM_018941.4(CLN8):c.845G>C (p.Arg282Pro)

Gene: CLN8 (CLN8 transmembrane ER and ERGIC protein; plus strand). Cytogenetic location: 8p23.3.
Variant type: single nucleotide variant.
Coding change: c.845G>C on transcript NM_018941.4 (MANE Select); coding-DNA position 845, G replaced by C.
Protein change: p.Arg282Pro; replaces arginine 282 with proline.
Molecular consequence: missense variant.
Genome position (GRCh38, 1-based): chr8:1,780,551, G>C. VCF-style: chr8-1780551-G-C. GRCh37 (hg19) VCF-style: chr8-1728717-G-C.
Other names: short protein forms R282P.
Identifiers: ClinVar variation 1051763 (VCV001051763.5), dbSNP rs766172825, ClinGen allele CA369954444.
Genomic context (GRCh38, chr8:1,780,551, plus strand): 5'-ACTGGAACTTCGCACAGCCAGAAGCCAAGAGCAGGCCAGAAGGCAACGGGCAGCTGCTGC[G>C]GAAGAAGAGGCCATAGCTGCTCCAGCCGGGGCTCCGGGGCGGCAGCAGAGCTGGCACACC-3'
Protein context (NP_061764.2, residues 272-286): SRPEGNGQLL[Arg282Pro]KKRP